The following is an entry in ClinVar:

NM_021625.5(TRPV4):c.1825-15C>T

Gene: TRPV4 (transient receptor potential cation channel subfamily V member 4; minus strand). Cytogenetic location: 12q24.11.
Variant type: single nucleotide variant.
Coding change: c.1825-15C>T on transcript NM_021625.5 (MANE Select); 15 bases into the intron before coding-DNA position 1825, C replaced by T.
Molecular consequence: intron variant.
Genome position (GRCh38, 1-based): chr12:109,792,444, G>A on the plus strand (C>T on the coding strand, the complement: TRPV4 is on the minus strand). VCF-style: chr12-109792444-G-A. GRCh37 (hg19) VCF-style: chr12-110230249-G-A.
Other names: c.1504-15C>T (NM_001177433.1); c.1684-15C>T (NM_001177428.1); c.1645-15C>T (NM_147204.2); c.1723-15C>T (NM_001177431.1).
Identifiers: ClinVar variation 307125 (VCV000307125.20), dbSNP rs200602134, ClinGen allele CA6780083.

ClinVar aggregate classification (germline): Benign/Likely benign. Review status: criteria provided, multiple submitters, no conflicts (2 of 4 stars). 11 submissions from 6 submitters: Benign (6); Likely benign (5). Last evaluated 2025-12-20.

Conditions:
Charcot-Marie-Tooth disease. Also called: Charcot-Marie-Tooth Hereditary Neuropathy; Charcot-Marie-Tooth Neuropathy. Identifiers: Orphanet 166, MedGen C0007959, MONDO:0015626.
Charcot-Marie-Tooth disease axonal type 2C (HMSN2C). Also called: Charcot-Marie-Tooth Disease Type 2, TRPV4-Related (CMT2C); CHARCOT-MARIE-TOOTH DISEASE, AXONAL, AUTOSOMAL DOMINANT, TYPE 2C; Charcot-Marie-Tooth Neuropathy Type 2C. Identifiers: Orphanet 99937, MedGen C1853710, MONDO:0011633, OMIM 606071.
Metatropic dysplasia (MTD). Also called: Metatropic Dysplasia, TRPV4-Related; Metatropic dysplasia, nonlethal dominant; METATROPIC DWARFISM. Identifiers: Orphanet 2635, MedGen C0265281, MONDO:0007986, OMIM 156530.
Brachyrachia (short spine dysplasia) (BCYM3). Also called: Brachyolmia, TRPV4-Related; Brachyolmia Type 3; BRACHYRACHIA; Autosomal dominant brachyolmia. Identifiers: Orphanet 93304, MedGen C0432227, MONDO:0007232, OMIM 113500.
Scapuloperoneal spinal muscular atrophy (SPSMA). Also called: Scapuloperoneal Spinal Muscular Atrophy, TRPV4-Related; AMYOTROPHY, NEUROGENIC SCAPULOPERONEAL, NEW ENGLAND TYPE; Scapuloperoneal Form of Spinal Muscular Atrophy; Scapuloperoneal spinal muscular atrophy, autosomal dominant. Identifiers: Orphanet 431255, MedGen C0751335, MONDO:0008408, OMIM 181405.
Neuronopathy, distal hereditary motor, autosomal dominant 8. Also called: SPINAL MUSCULAR ATROPHY, CONGENITAL BENIGN, WITH CONTRACTURES; NEURONOPATHY, DISTAL HEREDITARY MOTOR, TYPE VIII; NEUROPATHY, DISTAL HEREDITARY MOTOR, TYPE VIII; Autosomal dominant congenital benign spinal muscular atrophy. Identifiers: Orphanet 1216, MedGen C1838492, MONDO:0010839, OMIM 600175.
Spondylometaphyseal dysplasia, Kozlowski type (SMDK). Also called: Spondylometaphyseal Dysplasia, TRPV4-Related (Kozlowski Type); Dysmorphism arthrogryposis skeletal maturation advanced; Jequier-Kozlowski syndrome; Skeletal dysplasia Jequier-Kozlowski type; SMD Kozlowski type. Identifiers: Orphanet 93314, MedGen C0265280, MONDO:0008477, OMIM 184252.

Allele frequency attached by ClinVar (database versions not stated): TOPMed 0.00035; 1000 Genomes Project 0.00060; 1000 Genomes Project 30x 0.00062; ESP Exome Variant Server 0.00077.
gnomAD v4.1: 871 of 1,613,520 alleles (0.054%); highest among the groups gnomAD compares: Non-Finnish European, 0.066%; 1 homozygote.

Submissions (11):

Labcorp Genetics (formerly Invitae), Labcorp
Classification: Benign for Charcot-Marie-Tooth disease axonal type 2C. Last evaluated: 2025-12-20. Review status: criteria provided, single submitter. Criteria: Invitae Variant Classification Sherloc (09022015). Collection method: clinical testing. Allele origin: germline.

Blueprint Genetics
Classification: Likely benign. Last evaluated: 2024-08-14. Review status: criteria provided, single submitter. Criteria: ACMG Guidelines, 2015. Collection method: clinical testing. Allele origin: germline.

ARUP Laboratories, Molecular Genetics and Genomics, ARUP Laboratories
Classification: Likely benign. Last evaluated: 2021-04-30. Review status: criteria provided, single submitter. Criteria: ARUP Molecular Germline Variant Investigation Process 2021. Collection method: clinical testing. Allele origin: germline.

Illumina Laboratory Services, Illumina
Classification: Benign for Spondylometaphyseal dysplasia, Kozlowski type. Last evaluated: 2018-01-13. Review status: criteria provided, single submitter. Criteria: ICSL Variant Classification Criteria 13 December 2019. Collection method: clinical testing. Allele origin: germline.
Comment: This variant was observed in the ICSL laboratory as part of a predisposition screen in an ostensibly healthy population. It had not been previously curated by ICSL or reported in the Human Gene Mutation Database (HGMD: prior to June 1st, 2018), and was therefore a candidate for classification through an automated scoring system. Utilizing variant allele frequency, disease prevalence and penetrance estimates, and inheritance mode, an automated score was calculated to assess if this variant is too frequent to cause the disease. Based on the score and internal cut-off values, a variant classified as benign is not then subjected to further curation. The score for this variant resulted in a classification of benign for this disease.

Illumina Laboratory Services, Illumina
Classification: Benign for Neuronopathy, distal hereditary motor, autosomal dominant 8. Last evaluated: 2018-01-13. Review status: criteria provided, single submitter. Criteria: ICSL Variant Classification Criteria 13 December 2019. Collection method: clinical testing. Allele origin: germline.
Comment: the same text as in the submission from Illumina Laboratory Services, Illumina above.

Illumina Laboratory Services, Illumina
Classification: Benign for Scapuloperoneal spinal muscular atrophy. Last evaluated: 2018-01-13. Review status: criteria provided, single submitter. Criteria: ICSL Variant Classification Criteria 13 December 2019. Collection method: clinical testing. Allele origin: germline.
Comment: the same text as in the submission from Illumina Laboratory Services, Illumina above.

Illumina Laboratory Services, Illumina
Classification: Benign for Brachyrachia (short spine dysplasia). Last evaluated: 2018-01-13. Review status: criteria provided, single submitter. Criteria: ICSL Variant Classification Criteria 13 December 2019. Collection method: clinical testing. Allele origin: germline.
Comment: the same text as in the submission from Illumina Laboratory Services, Illumina above.

Illumina Laboratory Services, Illumina
Classification: Likely benign for Charcot-Marie-Tooth disease axonal type 2C. Last evaluated: 2018-01-13. Review status: criteria provided, single submitter. Criteria: ICSL Variant Classification Criteria 13 December 2019. Collection method: clinical testing. Allele origin: germline.
Comment: This variant was observed in the ICSL laboratory as part of a predisposition screen in an ostensibly healthy population. It had not been previously curated by ICSL or reported in the Human Gene Mutation Database (HGMD: prior to June 1st, 2018), and was therefore a candidate for classification through an automated scoring system. Utilizing variant allele frequency, disease prevalence and penetrance estimates, and inheritance mode, an automated score was calculated to assess if this variant is too frequent to cause the disease. Based on the score and internal cut-off values, a variant classified as likely benign is not then subjected to further curation. The score for this variant resulted in a classification of likely benign for this disease.

Illumina Laboratory Services, Illumina
Classification: Benign for Metatropic dysplasia. Last evaluated: 2018-01-13. Review status: criteria provided, single submitter. Criteria: ICSL Variant Classification Criteria 13 December 2019. Collection method: clinical testing. Allele origin: germline.
Comment: the same text as in the submission from Illumina Laboratory Services, Illumina above.

GeneDx
Classification: Likely benign. Last evaluated: 2017-02-13. Review status: criteria provided, single submitter. Criteria: GeneDx Variant Classification (06012015). Collection method: clinical testing. Allele origin: germline. Affected: yes.
Comment: This variant is considered likely benign or benign based on one or more of the following criteria: it is a conservative change, it occurs at a poorly conserved position in the protein, it is predicted to be benign by multiple in silico algorithms, and/or has population frequency not consistent with disease.

Molecular Genetics Laboratory, London Health Sciences Centre
Classification: Likely benign for Charcot-Marie-Tooth disease. Review status: criteria provided, single submitter. Criteria: ACMG Guidelines, 2015. Collection method: clinical testing. Allele origin: germline. Affected: yes.